The following is an entry in ClinVar:

ClinVar aggregate classification (germline): Pathogenic (1 of 4 stars; one submission).

Conditions:
Fanconi anemia (FA). Also called: Fanconi's anemia. Identifiers: Orphanet 84, MedGen C0015625, MeSH D005199, MONDO:0019391.

Submission:

Labcorp Genetics (formerly Invitae), Labcorp
Classification: Pathogenic for Fanconi anemia. Last evaluated: 2022-12-09. Review status: criteria provided, single submitter. Criteria: Invitae Variant Classification Sherloc (09022015). Collection method: clinical testing. Allele origin: germline.
Comment: For these reasons, this variant has been classified as Pathogenic. This variant has not been reported in the literature in individuals affected with FANCA-related conditions. This variant is not present in population databases (gnomAD no frequency). This sequence change creates a premature translational stop signal (p.Phe1135Leufs*80) in the FANCA gene. It is expected to result in an absent or disrupted protein product. Loss-of-function variants in FANCA are known to be pathogenic (PMID: 19367192).

Literature cited by the submitters: PubMed 19367192.

NM_000135.4(FANCA):c.3401dup (p.Phe1135fs)

Genes: FANCA (FA complementation group A; minus strand), LOC132090450 (Neanderthal introgressed variant-containing enhancer experimental_46718; plus strand). Cytogenetic location: 16q24.3.
Variant type: Duplication.
Coding change: c.3401dup on transcript NM_000135.4 (MANE Select); coding-DNA position 3401, one base duplicated (T; older notation c.3401dupT).
Protein change: p.Phe1135fs; shifts the reading frame from phenylalanine 1135.
Molecular consequence: frameshift variant.
Genome position (GRCh38, 1-based): chr16:89,746,838, A duplicated on the plus strand (T on the coding strand, the reverse complement: FANCA is on the minus strand); the first of 2 consecutive A bases (chr16:89,746,838-89,746,839); duplicating either gives the same sequence. VCF-style (leftmost placement, unchanged base first): chr16-89746837-G-GA. GRCh37 (hg19) VCF-style: chr16-89813245-G-GA.
Other names: c.3401dup, p.Phe1135fs (NM_001286167.3); short protein forms F1135fs.
Identifiers: ClinVar variation 2994911 (VCV002994911.3), dbSNP rs2544120655, ClinGen allele CA2740090937.